The following is an entry in ClinVar:

ClinVar aggregate classification (germline): Uncertain significance. Review status: criteria provided, multiple submitters, no conflicts (2 of 4 stars). 2 submissions from 2 submitters: Uncertain significance (2). Last evaluated 2025-11-27.

Conditions:
Joubert syndrome 17 (JBTS17). Identifiers: Orphanet 475, MedGen C3553264, MONDO:0013824, OMIM 614615.
Orofaciodigital syndrome type 6 (OFD6). Also called: Oral-facial-digital syndrome type 6; Central polydactyly cleft lip/palate or lingual lump and psychomotor retardation; Y-shaped central metacarpal and cerebellar defect; Joubert syndrome with orofacialdigital anomalies; POLYDACTYLY, CLEFT LIP/PALATE OR LINGUAL LUMP, AND PSYCHOMOTOR RETARDATION; OROFACIODIGITAL SYNDROME VI. Identifiers: Orphanet 2754, MedGen C2745997, MONDO:0010176, OMIM 277170.

Allele frequency attached by ClinVar (database versions not stated): gnomAD exomes below 0.00001; TOPMed below 0.00001; gnomAD 0.00001.
gnomAD v4.1: 4 of 1,607,908 alleles (0.00025%); highest among the groups gnomAD compares: Non-Finnish European, 0.00034%; no homozygotes.

Submissions (2):

Labcorp Genetics (formerly Invitae), Labcorp
Classification: Uncertain significance. Last evaluated: 2025-11-27. Review status: criteria provided, single submitter. Criteria: Invitae Variant Classification Sherloc (09022015). Collection method: clinical testing. Allele origin: germline.
Comment: This sequence change replaces threonine, which is neutral and polar, with alanine, which is neutral and non-polar, at codon 1509 of the CPLANE1 protein (p.Thr1509Ala). This variant is present in population databases (no rsID available, gnomAD 0.002%). This variant has not been reported in the literature in individuals affected with CPLANE1-related conditions. ClinVar contains an entry for this variant (Variation ID: 1523820). Invitae Evidence Modeling of protein sequence and biophysical properties (such as structural, functional, and spatial information, amino acid conservation, physicochemical variation, residue mobility, and thermodynamic stability) indicates that this missense variant is not expected to disrupt CPLANE1 protein function with a negative predictive value of 95%. In summary, the available evidence is currently insufficient to determine the role of this variant in disease. Therefore, it has been classified as a Variant of Uncertain Significance.

Fulgent Genetics
Classification: Uncertain significance for Orofaciodigital syndrome type 6; Joubert syndrome 17. Last evaluated: 2024-01-12. Review status: criteria provided, single submitter. Criteria: ACMG Guidelines, 2015. Collection method: clinical testing. Allele origin: germline.

NM_001384732.1(CPLANE1):c.4525A>G (p.Thr1509Ala)

Gene: CPLANE1 (ciliogenesis and planar polarity effector complex subunit 1; minus strand). Cytogenetic location: 5p13.2.
Variant type: single nucleotide variant.
Coding change: c.4525A>G on transcript NM_001384732.1 (MANE Select); coding-DNA position 4525, A replaced by G.
Protein change: p.Thr1509Ala; replaces threonine 1509 with alanine.
Molecular consequence: missense variant.
Genome position (GRCh38, 1-based): chr5:37,183,656, T>C on the plus strand (A>G on the coding strand, the complement: CPLANE1 is on the minus strand). VCF-style: chr5-37183656-T-C. GRCh37 (hg19) VCF-style: chr5-37183758-T-C.
Other names: c.4525A>G, p.Thr1509Ala (NM_023073.4); c.4525A>G (NM_023073.3); short protein forms T1509A.
Identifiers: ClinVar variation 1523820 (VCV001523820.9), dbSNP rs1408591861, ClinGen allele CA359498136.